The following is an entry in ClinVar:

ClinVar aggregate classification (germline): Benign/Likely benign. Review status: criteria provided, multiple submitters, no conflicts (2 of 4 stars). 5 submissions from 5 submitters: Benign (3); Likely benign (2). Last evaluated 2026-06-01.

Conditions:
Developmental and epileptic encephalopathy, 36 (DEE36). Also called: Epileptic encephalopathy, early infantile, 36; Congenital disorder of glycosylation, type Is; ALG13-CDG. Identifiers: Orphanet 324422, MedGen C4317295, MONDO:0010472, OMIM 300884.

Allele frequency attached by ClinVar (database versions not stated): gnomAD 0.00002; gnomAD exomes 0.00002 and 0.00012; TOPMed 0.00005; ExAC 0.00011.
gnomAD v4.1: 26 of 1,207,671 alleles (0.0022%); highest among the groups gnomAD compares: Admixed American, 0.057%; no homozygotes.

Submissions (5):

CeGaT Center for Human Genetics Tuebingen
Classification: Likely benign. Last evaluated: 2026-06-01. Review status: criteria provided, single submitter. Criteria: CeGaT Center For Human Genetics Tuebingen Variant Classification Criteria Version 2. Collection method: clinical testing. Allele origin: germline. Affected: yes. Observed: 1 variant allele.
Comment: ALG13: BP4, BP7, BS2

Labcorp Genetics (formerly Invitae), Labcorp
Classification: Benign for Developmental and epileptic encephalopathy, 36. Last evaluated: 2025-09-07. Review status: criteria provided, single submitter. Criteria: Invitae Variant Classification Sherloc (09022015). Collection method: clinical testing. Allele origin: germline.

Athena Diagnostics
Classification: Benign. Last evaluated: 2024-11-11. Review status: criteria provided, single submitter. Criteria: Athena Diagnostics Criteria. Collection method: clinical testing. Allele origin: unknown.

Genome-Nilou Lab
Classification: Benign for Developmental and epileptic encephalopathy, 36. Last evaluated: 2021-12-05. Review status: criteria provided, single submitter. Criteria: ACMG Guidelines, 2015. Collection method: clinical testing. Allele origin: germline. Affected: no.

GeneDx
Classification: Likely benign. Last evaluated: 2021-09-14. Review status: criteria provided, single submitter. Criteria: GeneDx Variant Classification Process June 2021. Collection method: clinical testing. Allele origin: germline. Affected: yes.

NM_001099922.3(ALG13):c.360T>C (p.Gly120=)

Gene: ALG13 (ALG13 UDP-N-acetylglucosaminyltransferase subunit; plus strand). Cytogenetic location: Xq23.
Variant type: single nucleotide variant.
Coding change: c.360T>C on transcript NM_001099922.3 (MANE Select); coding-DNA position 360, T replaced by C.
Protein change: p.Gly120=; no amino-acid change (glycine 120 retained).
Molecular consequence: synonymous variant. On other transcripts: missense variant (1), non-coding transcript variant (3).
Genome position (GRCh38, 1-based): chrX:111,685,080, T>C. VCF-style: chrX-111685080-T-C. GRCh37 (hg19) VCF-style: chrX-110928308-T-C.
Other names: c.301T>C, p.Ser101Pro (NM_001039210.5); c.360T>C, p.Gly120= (NM_001168385.3, NM_001324292.2, NM_018466.6); c.48T>C, p.Gly16= (NM_001257230.2, NM_001257234.2, NM_001257235.3 and 6 more transcripts); c.126T>C, p.Gly42= (NM_001257231.2, NM_001257241.3); c.366T>C, p.Gly122= (NM_001324290.2); short protein forms S101P.
Identifiers: ClinVar variation 391302 (VCV000391302.18), dbSNP rs747837898, ClinGen allele CA10493485.